The following is an entry in ClinVar:

ClinVar aggregate classification (germline): Likely benign. Review status: criteria provided, multiple submitters, no conflicts (2 of 4 stars). 3 submissions from 3 submitters: Likely benign (3). Last evaluated 2024-11-11.

Conditions:
Long QT syndrome (LQTS). Identifiers: MedGen C0023976, MeSH D008133, MONDO:0002442. Disease mechanism: loss of function. Inheritance: Various modes of inheritance.
Cardiovascular phenotype. Identifiers: MedGen CN230736.

Allele frequency attached by ClinVar (database versions not stated): gnomAD 0.00001; TOPMed 0.00001; ESP Exome Variant Server 0.00008.
gnomAD v4.1: 4 of 1,588,618 alleles (0.00025%); highest among the groups gnomAD compares: African/African-American, 0.004%; no homozygotes.

Submissions (3):

Labcorp Genetics (formerly Invitae), Labcorp
Classification: Likely benign for Long QT syndrome. Last evaluated: 2024-11-11. Review status: criteria provided, single submitter. Criteria: Invitae Variant Classification Sherloc (09022015). Collection method: clinical testing. Allele origin: germline.

All of Us Research Program, National Institutes of Health
Classification: Likely benign for Long QT syndrome. Last evaluated: 2023-10-27. Review status: criteria provided, single submitter. Criteria: ACMG Guidelines, 2015. Collection method: clinical testing. Allele origin: germline. Inheritance: Autosomal dominant inheritance. Observed: 1 variant allele, 1 heterozygote.
Comment: This study involves interpretation of variants in research participants for the purpose of population health screening. Participant phenotype was not available at the time of variant classification. Additional details can be found in publication PMID: 35346344, PMCID: PMC8962531

Ambry Genetics
Classification: Likely benign for Cardiovascular phenotype. Last evaluated: 2023-03-13. Review status: criteria provided, single submitter. Criteria: Ambry Variant Classification Scheme 2023. Collection method: clinical testing. Allele origin: germline.

NM_000238.4(KCNH2):c.1107T>C (p.Asn369=)

Gene: KCNH2 (potassium voltage-gated channel subfamily H member 2; minus strand). Cytogenetic location: 7q36.1.
Variant type: single nucleotide variant.
Coding change: c.1107T>C on transcript NM_000238.4 (MANE Select); coding-DNA position 1107, T replaced by C.
Protein change: p.Asn369=; no amino-acid change (asparagine 369 retained).
Molecular consequence: synonymous variant. On other transcripts: non-coding transcript variant (1).
Genome position (GRCh38, 1-based): chr7:150,957,312, A>G on the plus strand (T>C on the coding strand, the complement: KCNH2 is on the minus strand). VCF-style: chr7-150957312-A-G. GRCh37 (hg19) VCF-style: chr7-150654400-A-G.
Other names: c.819T>C, p.Asn273= (NM_001406753.1, NM_001406756.1); c.930T>C, p.Asn310= (NM_001406755.1); c.807T>C, p.Asn269= (NM_001406757.1); c.1107T>C, p.Asn369= (NM_172056.3).
Identifiers: ClinVar variation 1645561 (VCV001645561.12), dbSNP rs372231104, ClinGen allele CA169080782.
Genomic context (GRCh38, chr7:150,957,312, plus strand): 5'-CTCCAAGGTGAGAGGAGAGCCCGGCCGCTGGGCGCCTACCTGGGTGACCTTCTCAGTGAC[A>G]TTGTGGGTTCGCTCCTTTATCTTAGGTGCTATGATCTCACGGTCACTGGTGGGCGAAGCC-3'
Protein context (NP_000229.1, residues 359-379): IAPKIKERTH[Asn369=]VTEKVTQVLS